The following is an entry in ClinVar:

ClinVar aggregate classification (germline): Uncertain significance (1 of 4 stars; one submission).

Conditions:
Hereditary cancer-predisposing syndrome. Also called: Neoplastic Syndromes, Hereditary; Tumor predisposition; Hereditary neoplastic syndrome; Hereditary Cancer Syndrome. Identifiers: Orphanet 140162, MedGen C0027672, MeSH D009386, MONDO:0015356.

Submission:

Ambry Genetics
Classification: Uncertain significance for Hereditary cancer-predisposing syndrome. Last evaluated: 2026-07-06. Review status: criteria provided, single submitter. Criteria: Ambry Variant Classification Scheme 2023. Collection method: clinical testing. Allele origin: germline.
Comment: The p.A297G variant (also known as c.890C>G), located in coding exon 4 of the MSH6 gene, results from a C to G substitution at nucleotide position 890. The alanine at codon 297 is replaced by glycine, an amino acid with similar properties. This amino acid position is conserved. In addition, this alteration is predicted to be tolerated by in silico analysis. Based on the available evidence, the clinical significance of this variant remains unclear.

NM_000179.3(MSH6):c.890C>G (p.Ala297Gly)

Gene: MSH6 (mutS homolog 6; plus strand). Cytogenetic location: 2p16.3.
Variant type: single nucleotide variant.
Coding change: c.890C>G on transcript NM_000179.3 (MANE Select); coding-DNA position 890, C replaced by G.
Protein change: p.Ala297Gly; replaces alanine 297 with glycine.
Molecular consequence: missense variant. On other transcripts: 5 prime UTR variant (9), non-coding transcript variant (4), intron variant (1).
Genome position (GRCh38, 1-based): chr2:47,798,873, C>G. VCF-style: chr2-47798873-C-G. GRCh37 (hg19) VCF-style: chr2-48026012-C-G.
Other names: c.593C>G, p.Ala198Gly (NM_001406819.1, NM_001406820.1, NM_001406821.1 and 10 more transcripts); c.-17C>G (NM_001406823.1, NM_001406829.1, NM_001281493.2 and 6 more transcripts); c.722C>G, p.Ala241Gly (NM_001406826.1); c.500C>G, p.Ala167Gly (NM_001281492.2); c.986C>G, p.Ala329Gly (NM_001406795.1, NM_001406802.1); c.890C>G, p.Ala297Gly (NM_001406796.1, NM_001406798.1, NM_001406800.1 and 4 more transcripts); c.365C>G, p.Ala122Gly (NM_001406799.1, NM_001406806.1, NM_001406807.1); c.812C>G, p.Ala271Gly (NM_001406804.1); and 2 more; short protein forms A297G, A299G, A198G, A241G, A329G, A271G, A122G, A167G.
Identifiers: ClinVar variation 5024894 (VCV005024894.1).